The following is an entry in ClinVar:

ClinVar aggregate classification (germline): Uncertain significance. Review status: criteria provided, multiple submitters, no conflicts (2 of 4 stars). 3 submissions from 3 submitters: Uncertain significance (3). Last evaluated 2025-12-22.

Conditions:
DSG2-related disorder. Also called: DSG2-related condition.
Arrhythmogenic right ventricular cardiomyopathy (ARVD). Also called: Cardiomyopathy, ARVC; Arrhythmogenic right ventricular dysplasia; Arrhythmogenic cardiomyopathy; Arrhythmogenic Right Ventricular Cardiomyopathy (ARVC). Identifiers: Orphanet 247, MedGen C0349788, MeSH D019571, MONDO:0016587. Disease mechanism: loss of function. Inheritance: Various modes of inheritance.
Arrhythmogenic right ventricular dysplasia 10. Also called: Arrhythmogenic Right Ventricular Dysplasia/Cardiomyopathy10; Arrhythmogenic right ventricular dysplasia/cardiomyopathy, type 10; ARRHYTHMOGENIC RIGHT VENTRICULAR DYSPLASIA, FAMILIAL, 10. Identifiers: MedGen C1857777, MONDO:0012434, OMIM 610193.

gnomAD v4.1: 2 of 1,613,352 alleles (0.00012%); highest among the groups gnomAD compares: African/African-American, 0.0027%; no homozygotes.

Submissions (3):

PreventionGenetics, part of Exact Sciences
Classification: Uncertain significance for DSG2-related condition. Last evaluated: 2025-12-22. Review status: criteria provided, single submitter. Criteria: ACMG Guidelines, 2015. Collection method: clinical testing. Allele origin: germline.
Comment: The DSG2 c.1642C>G variant is predicted to result in the amino acid substitution p.Arg548Gly. To our knowledge, this variant has not been reported in the literature or in a large population database (gnomAD), indicating this variant is rare. At this time, the clinical significance of this variant is uncertain due to the absence of conclusive functional and genetic evidence.

All of Us Research Program, National Institutes of Health
Classification: Uncertain significance for Arrhythmogenic right ventricular cardiomyopathy. Last evaluated: 2024-07-20. Review status: criteria provided, single submitter. Criteria: ACMG Guidelines, 2015. Collection method: clinical testing. Allele origin: germline. Inheritance: Autosomal dominant inheritance. Observed: 2 variant alleles, 2 heterozygotes.
Comment: This missense variant replaces arginine with glycine at codon 548 of the DSG2 protein. Computational prediction suggests that this variant may not impact protein structure and function (internally defined REVEL score threshold <= 0.5, PMID: 27666373). To our knowledge, functional studies have not been reported for this variant. This variant has been reported in an individual who experienced exercise-related sudden cardiac arrest and had no previously known heart disease (PMID: 30975432). This variant has not been identified in the general population by the Genome Aggregation Database (gnomAD). The available evidence is insufficient to determine the role of this variant in disease conclusively. Therefore, this variant is classified as a Variant of Uncertain Significance.

This study involves interpretation of variants in research participants for the purpose of population health screening. Participant phenotype was not available at the time of variant classification. Additional details can be found in publication PMID: 35346344, PMCID: PMC8962531

Labcorp Genetics (formerly Invitae), Labcorp
Classification: Uncertain significance for Arrhythmogenic right ventricular dysplasia 10. Last evaluated: 2021-09-17. Review status: criteria provided, single submitter. Criteria: Invitae Variant Classification Sherloc (09022015). Collection method: clinical testing. Allele origin: germline.
Comment: This sequence change replaces arginine with glycine at codon 548 of the DSG2 protein (p.Arg548Gly). The arginine residue is weakly conserved and there is a moderate physicochemical difference between arginine and glycine. This variant is not present in population databases (ExAC no frequency). This variant has not been reported in the literature in individuals with DSG2-related disease. Algorithms developed to predict the effect of missense changes on protein structure and function (SIFT, PolyPhen-2, Align-GVGD) all suggest that this variant is likely to be tolerated, but these predictions have not been confirmed by published functional studies and their clinical significance is uncertain. In summary, the available evidence is currently insufficient to determine the role of this variant in disease. Therefore, it has been classified as a Variant of Uncertain Significance.

Literature cited by the submitters: PubMed 30975432 (cited by All of Us Research Program, National Institutes of Health).

NM_001943.5(DSG2):c.1642C>G (p.Arg548Gly)

Gene: DSG2 (desmoglein 2; plus strand). Cytogenetic location: 18q12.1.
Variant type: single nucleotide variant.
Coding change: c.1642C>G on transcript NM_001943.5 (MANE Select); coding-DNA position 1642, C replaced by G.
Protein change: p.Arg548Gly; replaces arginine 548 with glycine.
Molecular consequence: missense variant.
Genome position (GRCh38, 1-based): chr18:31,536,420, C>G. VCF-style: chr18-31536420-C-G. GRCh37 (hg19) VCF-style: chr18-29116383-C-G.
Other names: c.1642C>G (NM_001943.4); short protein forms R548G.
Identifiers: ClinVar variation 2202476 (VCV002202476.4), dbSNP rs550400909, ClinGen allele CA402142244.